The following is an entry in ClinVar:

NC_000011.9:g.(?_108098352)_(108143354_?)dup

Gene: ATM (ATM serine/threonine kinase; plus strand). Cytogenetic location: 11q22.3.
Variant type: Duplication.
Identifiers: ClinVar variation 3244494 (VCV003244494.1).

ClinVar aggregate classification (germline): Uncertain significance (1 of 4 stars; one submission).

Conditions:
Ataxia-telangiectasia syndrome (AT). Also called: LOUIS-BAR SYNDROME; Cerebello-oculocutaneous telangiectasia; Immunodeficiency with ataxia telangiectasia; AT, COMPLEMENTATION GROUP C; Ataxia-telangiectasia, complementation group D; ATAXIA-TELANGIECTASIA, COMPLEMENTATION GROUP A. Identifiers: Orphanet 100, MedGen C0004135, MONDO:0008840, OMIM 208900.

Submission:

Labcorp Genetics (formerly Invitae), Labcorp
Classification: Uncertain significance for Ataxia-telangiectasia syndrome. Last evaluated: 2023-08-21. Review status: criteria provided, single submitter. Criteria: Invitae Variant Classification Sherloc (09022015). Collection method: clinical testing. Allele origin: unknown.
Comment: This variant results in a copy number gain of the genomic region encompassing exon(s) 2-21 of the ATM gene. This region includes the initiator codon of the gene. This copy number gain extends beyond the assayed region for this gene and therefore may encompass additional genes. As the precise location of this event is unknown, it may be in tandem or it may be located elsewhere in the genome. This variant has not been reported in the literature in individuals affected with ATM-related conditions. Experimental studies and prediction algorithms are not available or were not evaluated, and the functional significance of this variant is currently unknown. In summary, the available evidence is currently insufficient to determine the role of this variant in disease. Therefore, it has been classified as a Variant of Uncertain Significance.